The following is an entry in ClinVar:

ClinVar aggregate classification (germline): Uncertain significance. Review status: criteria provided, multiple submitters, no conflicts (2 of 4 stars). 3 submissions from 3 submitters: Uncertain significance (3). Last evaluated 2025-10-11.

Conditions:
Familial thoracic aortic aneurysm and aortic dissection (TAAD). Also called: Thoracic aortic aneurysms and dissections. Identifiers: Orphanet 91387, MedGen C4707243, MONDO:0019625.
Marfan syndrome (MFS). Also called: Marfan syndrome type 1; Marfan's syndrome; Marfan syndrome, classic; MARFAN SYNDROME, TYPE I; FBN1-Related Marfan Syndrome. Identifiers: Orphanet 284963, Orphanet 558, MedGen C0024796, MONDO:0007947, OMIM 154700.

Allele frequency attached by ClinVar (database versions not stated): gnomAD exomes below 0.00001; gnomAD 0.00001.
gnomAD v4.1: 6 of 1,613,836 alleles (0.00037%); highest among the groups gnomAD compares: South Asian, 0.0033%; no homozygotes.

Submissions (3):

Labcorp Genetics (formerly Invitae), Labcorp
Classification: Uncertain significance for Marfan syndrome; Familial thoracic aortic aneurysm and aortic dissection. Last evaluated: 2025-10-11. Review status: criteria provided, single submitter. Criteria: Invitae Variant Classification Sherloc (09022015). Collection method: clinical testing. Allele origin: germline.
Comment: This sequence change replaces leucine, which is neutral and non-polar, with phenylalanine, which is neutral and non-polar, at codon 16 of the FBN1 protein (p.Leu16Phe). This variant is not present in population databases (gnomAD no frequency). ClinVar contains an entry for this variant (Variation ID: 1171394). Invitae Evidence Modeling of protein sequence and biophysical properties (such as structural, functional, and spatial information, amino acid conservation, physicochemical variation, residue mobility, and thermodynamic stability) indicates that this missense variant is not expected to disrupt FBN1 protein function with a negative predictive value of 95%. In summary, the available evidence is currently insufficient to determine the role of this variant in disease. Therefore, it has been classified as a Variant of Uncertain Significance.

Color Diagnostics, LLC DBA Color Health
Classification: Uncertain significance for Familial thoracic aortic aneurysm and aortic dissection. Last evaluated: 2021-02-19. Review status: criteria provided, single submitter. Criteria: ACMG Guidelines, 2015. Collection method: clinical testing. Allele origin: germline.
Comment: This missense variant replaces leucine with phenylalanine at codon 16 of the FBN1 protein. Computational prediction suggests that this variant may not impact protein structure and function (internally defined REVEL score threshold <= 0.5, PMID: 27666373). To our knowledge, functional studies have not been reported for this variant. This variant has not been reported in individuals affected with cardiovascular disorders in the literature. This variant has not been identified in the general population by the Genome Aggregation Database (gnomAD). The available evidence is insufficient to determine the role of this variant in disease conclusively. Therefore, this variant is classified as a Variant of Uncertain Significance.

GeneDx
Classification: Uncertain significance. Last evaluated: 2020-10-27. Review status: criteria provided, single submitter. Criteria: GeneDx Variant Classification Process June 2021. Collection method: clinical testing. Allele origin: germline. Affected: yes.
Comment: Has not been previously published as pathogenic or benign to our knowledge; Not observed in large population cohorts (Lek et al., 2016); In silico analysis supports that this missense variant has a deleterious effect on protein structure/function; Does not affect a cysteine residue within a calcium-binding EGF-like domain of the FBN1 gene; cysteine substitutions in the calcium-binding EGF-like domains represent the majority of pathogenic missense changes associated with FBN1-related disorders (Collod-Beroud et al., 2003)

NM_000138.5(FBN1):c.46C>T (p.Leu16Phe)

Genes: FBN1 (fibrillin 1; minus strand), LOC130057019 (ATAC-STARR-seq lymphoblastoid silent region 6417; plus strand). Cytogenetic location: 15q21.1.
Variant type: single nucleotide variant.
Coding change: c.46C>T on transcript NM_000138.5 (MANE Select); coding-DNA position 46, C replaced by T.
Protein change: p.Leu16Phe; replaces leucine 16 with phenylalanine.
Molecular consequence: missense variant.
Genome position (GRCh38, 1-based): chr15:48,644,724, G>A on the plus strand (C>T on the coding strand, the complement: FBN1 is on the minus strand). VCF-style: chr15-48644724-G-A. GRCh37 (hg19) VCF-style: chr15-48936921-G-A.
Other names: short protein forms L16F.
Identifiers: ClinVar variation 1171394 (VCV001171394.5), dbSNP rs982368209, ClinGen allele CA270085545.